The following is an entry in ClinVar:

NM_001387430.1(SH2B1):c.263C>T (p.Ser88Leu)

Gene: SH2B1 (SH2B adaptor protein 1; plus strand). Cytogenetic location: 16p11.2.
Variant type: single nucleotide variant.
Coding change: c.263C>T on transcript NM_001387430.1 (MANE Select); coding-DNA position 263, C replaced by T.
Protein change: p.Ser88Leu; replaces serine 88 with leucine.
Molecular consequence: missense variant. On other transcripts: intron variant (1).
Genome position (GRCh38, 1-based): chr16:28,866,357, C>T. VCF-style: chr16-28866357-C-T. GRCh37 (hg19) VCF-style: chr16-28877678-C-T.
Other names: c.263C>T, p.Ser88Leu (NM_001145795.2, NM_001145796.2, NM_001145797.2 and 4 more transcripts); c.-26-1017C>T (NM_001308294.2); short protein forms S88L.
Identifiers: ClinVar variation 3352587 (VCV003352587.1).
Genomic context (GRCh38, chr16:28,866,357, plus strand): 5'-TTGCTGAGCTCTTCCTGCAGCACTTTGAAGCCGAGGTGGCCCGGGCCTCTGGCTCCCTGT[C>T]GCCACCCATCCTGGCTCCCCTGAGCCCTGGTGCGGAGATTTCGCCACATGACCTGTCCCT-3'
Protein context (NP_001374359.1, residues 78-98): AEVARASGSL[Ser88Leu]PPILAPLSPG

ClinVar aggregate classification (germline): Uncertain significance (0 of 4 stars; one submission).

Conditions:
SH2B1-related disorder. Also called: SH2B1-related condition.

Submission:

PreventionGenetics, part of Exact Sciences
Classification: Uncertain significance for SH2B1-related condition. Last evaluated: 2024-08-06. Review status: no assertion criteria provided. Collection method: clinical testing. Allele origin: germline.
Comment: The SH2B1 c.263C>T variant is predicted to result in the amino acid substitution p.Ser88Leu. To our knowledge, this variant has not been reported in the literature. This variant is reported in 0.029% of alleles in individuals of Latino descent in gnomAD. At this time, the clinical significance of this variant is uncertain due to the absence of conclusive functional and genetic evidence.